The following is an entry in ClinVar:

ClinVar aggregate classification (germline): Uncertain significance (1 of 4 stars; one submission).

Conditions:
UCP3-related disorder. Also called: UCP3-related condition.

Submission:

PreventionGenetics, part of Exact Sciences
Classification: Uncertain significance for UCP3-related condition. Last evaluated: 2025-03-07. Review status: criteria provided, single submitter. Criteria: ACMG Guidelines, 2015. Collection method: clinical testing. Allele origin: germline.
Comment: The UCP3 c.424G>T variant is predicted to result in the amino acid substitution p.Val142Phe. To our knowledge, this variant has not been reported in the literature or in a large population database (gnomAD), indicating this variant is rare. At this time, the clinical significance of this variant is uncertain due to the absence of conclusive functional and genetic evidence.

NM_003356.4(UCP3):c.424G>T (p.Val142Phe)

Gene: UCP3 (uncoupling protein 3; minus strand). Cytogenetic location: 11q13.4.
Variant type: single nucleotide variant.
Coding change: c.424G>T on transcript NM_003356.4 (MANE Select); coding-DNA position 424, G replaced by T.
Protein change: p.Val142Phe; replaces valine 142 with phenylalanine.
Molecular consequence: missense variant.
Genome position (GRCh38, 1-based): chr11:74,005,847, C>A on the plus strand (G>T on the coding strand, the complement: UCP3 is on the minus strand). VCF-style: chr11-74005847-C-A. GRCh37 (hg19) VCF-style: chr11-73716892-C-A.
Other names: c.424G>T, p.Val142Phe (NM_022803.3); short protein forms V142F.
Identifiers: ClinVar variation 5000603 (VCV005000603.1).